The following is an entry in ClinVar:

NM_001201427.2(DAAM2):c.733G>C (p.Val245Leu)

Gene: DAAM2 (dishevelled associated activator of morphogenesis 2; plus strand). Cytogenetic location: 6p21.2.
Variant type: single nucleotide variant.
Coding change: c.733G>C on transcript NM_001201427.2 (MANE Select); coding-DNA position 733, G replaced by C.
Protein change: p.Val245Leu; replaces valine 245 with leucine.
Molecular consequence: missense variant.
Genome position (GRCh38, 1-based): chr6:39,867,814, G>C. VCF-style: chr6-39867814-G-C. GRCh37 (hg19) VCF-style: chr6-39835590-G-C.
Other names: c.733G>C, p.Val245Leu (NM_015345.4); short protein forms V245L.
Identifiers: ClinVar variation 3038169 (VCV003038169.2), dbSNP rs114233535, ClinGen allele CA3794774.

ClinVar aggregate classification (germline): Benign (0 of 4 stars; one submission).

Conditions:
DAAM2-related disorder. Also called: DAAM2-related condition.

Allele frequency attached by ClinVar (database versions not stated): 1000 Genomes Project 30x 0.00562; 1000 Genomes Project 0.00579; gnomAD 0.00599; ESP Exome Variant Server 0.00716; TOPMed 0.00719.
gnomAD v4.1: 1,807 of 1,607,924 alleles (0.11%); highest among the groups gnomAD compares: African/African-American, 2.1%; 15 homozygotes.

Submission:

PreventionGenetics, part of Exact Sciences
Classification: Benign for DAAM2-related condition. Last evaluated: 2019-02-18. Review status: no assertion criteria provided. Collection method: clinical testing. Allele origin: germline.
Comment: This variant is classified as benign based on ACMG/AMP sequence variant interpretation guidelines (Richards et al. 2015 PMID: 25741868, with internal and published modifications).